The following is an entry in ClinVar:

NM_018718.3(CEP41):c.98-5025T>C

Gene: CEP41 (centrosomal protein 41; minus strand). Cytogenetic location: 7q32.2.
Variant type: single nucleotide variant.
Coding change: c.98-5025T>C on transcript NM_018718.3 (MANE Select); 5025 bases into the intron before coding-DNA position 98, T replaced by C.
Molecular consequence: intron variant. On other transcripts: synonymous variant (1).
Genome position (GRCh38, 1-based): chr7:130,421,991, A>G on the plus strand (T>C on the coding strand, the complement: CEP41 is on the minus strand). VCF-style: chr7-130421991-A-G. GRCh37 (hg19) VCF-style: chr7-130061832-A-G.
Other names: c.114T>C (NM_001257160.1); c.114T>C, p.Leu38= (NM_001257160.2); c.97+5964T>C (NM_001257159.2); c.98-5025T>C (NM_001257158.2).
Identifiers: ClinVar variation 2657998 (VCV002657998.26), dbSNP rs80349158, ClinGen allele CA4485696.

ClinVar aggregate classification (germline): Likely benign. Review status: criteria provided, multiple submitters, no conflicts (2 of 4 stars). 3 submissions from 3 submitters: Likely benign (2). 1 of the submissions does not count toward it. Last evaluated 2024-03-27.

Conditions:
CEP41-related disorder. Also called: CEP41-related condition.

Allele frequency attached by ClinVar (database versions not stated): ExAC 0.00007; gnomAD exomes 0.00007; 1000 Genomes Project 30x 0.00047; 1000 Genomes Project 0.00060; gnomAD 0.00070; TOPMed 0.00073.
gnomAD v4.1: 205 of 1,536,072 alleles (0.013%); highest among the groups gnomAD compares: African/African-American, 0.25%; no homozygotes.

Submissions (3):

Blueprint Genetics
Classification: Likely benign. Last evaluated: 2024-03-27. Review status: criteria provided, single submitter. Criteria: ACMG Guidelines, 2015. Collection method: clinical testing. Allele origin: germline.

CeGaT Center for Human Genetics Tuebingen
Classification: Likely benign. Last evaluated: 2022-09-01. Review status: criteria provided, single submitter. Criteria: CeGaT Center For Human Genetics Tuebingen Variant Classification Criteria Version 2. Collection method: clinical testing. Allele origin: germline. Affected: yes. Observed: 1 variant allele.
Comment: CEP41: BP4, BP7

PreventionGenetics, part of Exact Sciences
Classification: Likely benign for CEP41-related condition. Last evaluated: 2019-04-12. Review status: no assertion criteria provided. Collection method: clinical testing. Allele origin: germline. Not counted in ClinVar's aggregate classification.
Comment: This variant is classified as likely benign based on ACMG/AMP sequence variant interpretation guidelines (Richards et al. 2015 PMID: 25741868, with internal and published modifications).